The following is an entry in ClinVar:

NM_000238.4(KCNH2):c.3052C>G (p.Pro1018Ala)

Gene: KCNH2 (potassium voltage-gated channel subfamily H member 2; minus strand). Cytogenetic location: 7q36.1.
Variant type: single nucleotide variant.
Coding change: c.3052C>G on transcript NM_000238.4 (MANE Select); coding-DNA position 3052, C replaced by G.
Protein change: p.Pro1018Ala; replaces proline 1018 with alanine.
Molecular consequence: missense variant. On other transcripts: non-coding transcript variant (2).
Genome position (GRCh38, 1-based): chr7:150,947,428, G>C on the plus strand (C>G on the coding strand, the complement: KCNH2 is on the minus strand). VCF-style: chr7-150947428-G-C. GRCh37 (hg19) VCF-style: chr7-150644516-G-C.
Other names: p.P1018A:CCC>GCC; c.2764C>G, p.Pro922Ala (NM_001406753.1); c.2032C>G, p.Pro678Ala (NM_172057.3); short protein forms P1018A, P678A, P922A.
Identifiers: ClinVar variation 200520 (VCV000200520.23), dbSNP rs41313764, ClinGen allele CA007858.

ClinVar aggregate classification (germline): Uncertain significance. Review status: criteria provided, multiple submitters, no conflicts (2 of 4 stars). 6 submissions from 6 submitters: Uncertain significance (6). Last evaluated 2026-06-15.

Conditions:
Cardiovascular phenotype. Identifiers: MedGen CN230736.
Cardiac arrhythmia. Also called: Arrhythmia; Cardiac rhythm disease. Identifiers: MedGen C0003811, MONDO:0007263, HP:0011675.
Long QT syndrome (LQTS). Identifiers: MedGen C0023976, MeSH D008133, MONDO:0002442. Disease mechanism: loss of function. Inheritance: Various modes of inheritance.

Allele frequency attached by ClinVar (database versions not stated): ExAC below 0.00001; gnomAD 0.00002 and 0.00003; gnomAD exomes 0.00003; TOPMed 0.00002.
gnomAD v4.1: 60 of 1,556,376 alleles (0.0039%); highest among the groups gnomAD compares: Non-Finnish European, 0.005%; no homozygotes.

Submissions (6):

Ambry Genetics
Classification: Uncertain significance for Cardiovascular phenotype. Last evaluated: 2026-06-15. Review status: criteria provided, single submitter. Criteria: Ambry Variant Classification Scheme 2023. Collection method: clinical testing. Allele origin: germline.
Comment: The p.P1018A variant (also known as c.3052C>G), located in coding exon 13 of the KCNH2 gene, results from a C to G substitution at nucleotide position 3052. The proline at codon 1018 is replaced by alanine, an amino acid with highly similar properties. This variant was detected in an arrhythmia genetic testing cohort; however, clinical details were limited, and additional cardiac variants were detected in some cases (van Lint FHM et al. Neth Heart J, 2019 Jun;27:304-309). This amino acid position is not well conserved in available vertebrate species. In addition, the in silico prediction for this alteration is inconclusive. Based on the available evidence, the clinical significance of this variant remains unclear.

Labcorp Genetics (formerly Invitae), Labcorp
Classification: Uncertain significance for Long QT syndrome. Last evaluated: 2026-01-26. Review status: criteria provided, single submitter. Criteria: Invitae Variant Classification Sherloc (09022015). Collection method: clinical testing. Allele origin: germline.
Comment: This sequence change replaces proline, which is neutral and non-polar, with alanine, which is neutral and non-polar, at codon 1018 of the KCNH2 protein (p.Pro1018Ala). This variant is present in population databases (rs41313764, gnomAD 0.005%). This missense change has been observed in individual(s) with atrial fibrillation, unknown arrhythmia, left ventricular noncompaction and dilated cardiomyopathy (PMID: 28798025, 29517769, 30276209, 30847666). ClinVar contains an entry for this variant (Variation ID: 200520). An algorithm developed to predict the effect of missense changes on protein structure and function (PolyPhen-2) suggests that this variant is likely to be disruptive. In summary, the available evidence is currently insufficient to determine the role of this variant in disease. Therefore, it has been classified as a Variant of Uncertain Significance.

Color Diagnostics, LLC DBA Color Health
Classification: Uncertain significance for Cardiac arrhythmia. Last evaluated: 2025-04-09. Review status: criteria provided, single submitter. Criteria: ACMG Guidelines, 2015. Collection method: clinical testing. Allele origin: germline.
Comment: This missense variant replaces proline with alanine at codon 1018 of the KCNH2 protein. Computational prediction tool is inconclusive regarding the impact of this variant on protein structure and function. To our knowledge, functional studies have not been reported for this variant. This variant has been reported in individuals affected with arrhythmias (PMID: 30276209, 30847666). It has also been reported in an individual affected with dilated cardiomyopathy (PMID: 29517769) and in an individual affected with left ventricular noncompaction cardiomyopathy (PMID: 28798025). This variant has been identified in 4/156200 chromosomes in the general population by the Genome Aggregation Database (gnomAD). The available evidence is insufficient to determine the role of this variant in disease conclusively. Therefore, this variant is classified as a Variant of Uncertain Significance.

All of Us Research Program, National Institutes of Health
Classification: Uncertain significance for Long QT syndrome. Last evaluated: 2023-11-30. Review status: criteria provided, single submitter. Criteria: ACMG Guidelines, 2015. Collection method: clinical testing. Allele origin: germline. Inheritance: Autosomal dominant inheritance. Observed: 6 variant alleles, 6 heterozygotes.
Comment: This missense variant replaces proline with alanine at codon 1018 of the KCNH2 protein. Computational prediction is inconclusive regarding the impact of this variant on protein structure and function (internally defined REVEL score threshold 0.5 < inconclusive < 0.7, PMID: 27666373). To our knowledge, functional studies have not been reported for this variant. This variant has been reported in individuals affected with arrhythmias (PMID: 30276209, 30847666). It has also been reported in an individual affected with dilated cardiomyopathy (PMID: 29517769) and in an individual affected with left ventricular noncompaction cardiomyopathy (PMID: 28798025). This variant has been identified in 4/156200 chromosomes in the general population by the Genome Aggregation Database (gnomAD). The available evidence is insufficient to determine the role of this variant in disease conclusively. Therefore, this variant is classified as a Variant of Uncertain Significance.

This study involves interpretation of variants in research participants for the purpose of population health screening. Participant phenotype was not available at the time of variant classification. Additional details can be found in publication PMID: 35346344, PMCID: PMC8962531

GeneDx
Classification: Uncertain significance. Last evaluated: 2022-05-27. Review status: criteria provided, single submitter. Criteria: GeneDx Variant Classification Process June 2021. Collection method: clinical testing. Allele origin: germline. Affected: yes.
Comment: Reported in individuals with various cardiac disorders, including dilated cardiomyopathy, ventricular tachycardia, paroxysmal atrial fibrillation, and unspecified arrhythmia (Doate Puertas et al., 2018; Herkert et al., 2018; van Lint et al., 2019); In silico analysis supports that this missense variant does not alter protein structure/function; This variant is associated with the following publications: (PMID: 29517769, 30847666, 30276209)

ARUP Laboratories, Molecular Genetics and Genomics, ARUP Laboratories
Classification: Uncertain significance. Last evaluated: 2021-01-12. Review status: criteria provided, single submitter. Criteria: ARUP Molecular Germline Variant Investigation Process 2021. Collection method: clinical testing. Allele origin: germline.
Comment: The KCNH2 c.3052C>G; p.Pro1018Ala variant (rs41313764) is reported in the literature in an individual affected with atrial fibrillation, though it was not demonstrated to be disease-causing (Donate Puertas 2018). This variant is found on only four chromosomes (4/156200 alleles) in the Genome Aggregation Database. The proline at codon 1018 is moderately conserved, and computational analyses (SIFT, PolyPhen-2) predict that this variant is tolerated. Due to limited information, the clinical significance of the p.Pro1018Ala variant is uncertain at this time. References: Donate Puertas R et al. Atrial Structural Remodeling Gene Variants in Patients with Atrial Fibrillation. Biomed Res Int. 2018;2018:4862480.

Literature cited by the submitters: PubMed 30847666 (cited by 4 submitters); PubMed 28798025 (cited by 3 submitters); PubMed 29517769 (cited by 3 submitters); PubMed 30276209 (cited by 3 submitters).